The following is an entry in ClinVar:

ClinVar aggregate classification (germline): Likely pathogenic. Review status: reviewed by expert panel (3 of 4 stars). 3 submissions from 3 submitters: Likely pathogenic (1). 2 of the submissions do not count toward it. Last evaluated 2024-12-09.

Conditions:
Actin accumulation myopathy (CMYO2A). Also called: Nemaline myopathy type 3; Myopathy, actin, congenital, with excess of thin myofilaments; CONGENITAL MYOPATHY 2A, TYPICAL, AUTOSOMAL DOMINANT; Myopathy, actin, congenital, with cores; Nemaline myopathy 3, with intranuclear rods. Identifiers: Orphanet 98904, MedGen C3711389, MONDO:0008070, OMIM 161800.
Alpha-actinopathy. Also called: Actinopathy. Identifiers: MedGen CN295279, MONDO:0100084.

Submissions (3):

ClinGen Congenital Myopathies Variant Curation Expert Panel, ClinGen
Classification: Likely pathogenic for Alpha-actinopathy. Last evaluated: 2024-12-09. Review status: reviewed by expert panel. Criteria: ClinGen CongenMyopathy ACMG Specifications ACTA1_AD_ V2.0.0. Collection method: curation. Allele origin: germline. Inheritance: Autosomal dominant inheritance.
Comment: The NM_001100.4 c.37G>A (p.Asp13Asn) variant in ACTA1 is a missense variant predicted to cause a substitution of aspartic acid by asparagine at amino acid 13. ACTA1 is defined by the ClinGen Congenital Myopathies VCEP as a gene that has a low rate of benign missense variation and where pathogenic missense variants are a common mechanism of disease (PP2). The computational predictor REVEL gives a score of 0.763, which is above the threshold for predicting a damaging effect on ACTA1 variants (PP3). The variant is absent from gnomAD v4.1.0 (PM2_Supporting). The variant has been identified as de novo by trio analysis in one proband with clinical features of congenital myopathy (ARUP Laboratories; SCV001157803.1) (PS2). In summary, this variant meets the criteria to be classified as likely pathogenic for autosomal dominant alpha-actinopathy based on the ACMG/AMP criteria applied as specified by the ClinGen Congenital Myopathy VCEP: PP2, PP3, PM2_Supporting, PS2; ClinGen Congenital Myopathies VCEP Specifications 2.0.0; 12/9/2024

ARUP Laboratories, Molecular Genetics and Genomics, ARUP Laboratories
Classification: Likely pathogenic. Last evaluated: 2018-08-27. Review status: criteria provided, single submitter. Criteria: ARUP Molecular Germline Variant Investigation Process. Collection method: clinical testing. Allele origin: germline. Not counted in ClinVar's aggregate classification.

Labcorp Genetics (formerly Invitae), Labcorp
Classification: Uncertain significance for Actin accumulation myopathy. Last evaluated: 2018-08-26. Review status: criteria provided, single submitter. Criteria: Invitae Variant Classification Sherloc (09022015). Collection method: clinical testing. Allele origin: germline. Not counted in ClinVar's aggregate classification.
Comment: In summary, the available evidence is currently insufficient to determine the role of this variant in disease. Therefore, it has been classified as a Variant of Uncertain Significance. Algorithms developed to predict the effect of missense changes on protein structure and function are either unavailable or do not agree on the potential impact of this missense change (SIFT: "Deleterious"; PolyPhen-2: "Benign"; Align-GVGD: "Class C0"). This variant has been observed in an individual affected with nemaline myopathy (PMID: 19562689). This variant is not present in population databases (ExAC no frequency). This sequence change replaces aspartic acid with asparagine at codon 13 of the ACTA1 protein (p.Asp13Asn). The aspartic acid residue is highly conserved and there is a small physicochemical difference between aspartic acid and asparagine.

Literature cited by the submitters: PubMed 19562689 (cited by Labcorp Genetics (formerly Invitae), Labcorp).

NM_001100.4(ACTA1):c.37G>A (p.Asp13Asn)

Gene: ACTA1 (actin alpha 1, skeletal muscle; minus strand). Cytogenetic location: 1q42.13.
Variant type: single nucleotide variant.
Coding change: c.37G>A on transcript NM_001100.4 (MANE Select); coding-DNA position 37, G replaced by A.
Protein change: p.Asp13Asn; replaces aspartic acid 13 with asparagine.
Molecular consequence: missense variant.
Genome position (GRCh38, 1-based): chr1:229,433,079, C>T on the plus strand (G>A on the coding strand, the complement: ACTA1 is on the minus strand). VCF-style: chr1-229433079-C-T. GRCh37 (hg19) VCF-style: chr1-229568826-C-T.
Other names: NM_001100.4(ACTA1):c.37G>A; p.Asp13Asn; short protein forms D13N.
Identifiers: ClinVar variation 642798 (VCV000642798.17), dbSNP rs1571894217, ClinGen allele CA345151718.
Genomic context (GRCh38, chr1:229,433,079, plus strand): 5'-ACACGGCCCTAGGGGCGTCATCCCCGGCGAAGCCGGCTTTCACCAGGCCGGAGCCATTGT[C>T]GCACACGAGGGCGGTGGTCTCGTCTTCGTCGCACATTGTGTCTAGTTTCTGCAAGGACAG-3'
Protein context (NP_001091.1, residues 3-23): DEDETTALVC[Asp13Asn]NGSGLVKAGF